The following is an entry in ClinVar:

ClinVar aggregate classification (germline): Uncertain significance (1 of 4 stars; one submission).

Submission:

Women's Health and Genetics/Laboratory Corporation of America, LabCorp
Classification: Uncertain significance. Last evaluated: 2022-06-14. Review status: criteria provided, single submitter. Criteria: LabCorp Variant Classification Summary - May 2015. Collection method: clinical testing. Allele origin: germline.
Comment: Variant summary: The variant identified by MLPA or other technology involves the duplication of exons 1-24 (full gene) in the CAPN3 gene. A presumed nomenclature of c.(?_-307)_(*545_?)dup has been designated for the purposes of this classification. It has been assumed that this is a tandem duplication in direct orientation (Richardson_GIM_2018, Newman_AJHG_2015). Since exact breakpoints of this duplication are not known, it might extend beyond the assayed region of the CAPN3 gene, including other flanking genes. The variant was absent in 21694 control chromosomes (gnomAD SVs, Structural Variants dataset). The available data on variant occurrences in the general population are insufficient to allow any conclusion about variant significance. To our knowledge, no occurrence of c.(?_-307)_(*545_?)dup in individuals affected with Limb-Girdle Muscular Dystrophy, Autosomal Recessive and no experimental evidence demonstrating its impact on protein function have been reported. No clinical diagnostic laboratories have submitted clinical-significance assessments for this variant to ClinVar after 2014. Based on the evidence outlined above, the variant was classified as uncertain significance.

NC_000015.9:g.(?_42651697)_(42704516_?)dup

Gene: CAPN3 (calpain 3; plus strand). Cytogenetic location: 15q15.1.
Variant type: Duplication.
Identifiers: ClinVar variation 1698550 (VCV001698550.1).